The following is an entry in ClinVar:

NM_138817.3(SLC7A13):c.775T>C (p.Ser259Pro)

Gene: SLC7A13 (solute carrier family 7 member 13; minus strand). Cytogenetic location: 8q21.3.
Variant type: single nucleotide variant.
Coding change: c.775T>C on transcript NM_138817.3 (MANE Select); coding-DNA position 775, T replaced by C.
Protein change: p.Ser259Pro; replaces serine 259 with proline.
Molecular consequence: missense variant.
Genome position (GRCh38, 1-based): chr8:86,223,014, A>G on the plus strand (T>C on the coding strand, the complement: SLC7A13 is on the minus strand). VCF-style: chr8-86223014-A-G. GRCh37 (hg19) VCF-style: chr8-87235243-A-G.
Other names: short protein forms S259P.
Identifiers: ClinVar variation 3701459 (VCV003701459.2).

ClinVar aggregate classification (germline): Uncertain significance (1 of 4 stars; one submission).

gnomAD v4.1: 1 of 1,609,084 alleles (0.000062%); highest among the groups gnomAD compares: Admixed American, 0.0017%; no homozygotes.

Submission:

Labcorp Genetics (formerly Invitae), Labcorp
Classification: Uncertain significance. Last evaluated: 2024-11-11. Review status: criteria provided, single submitter. Criteria: Invitae Variant Classification Sherloc (09022015). Collection method: clinical testing. Allele origin: germline.
Comment: This sequence change replaces serine, which is neutral and polar, with proline, which is neutral and non-polar, at codon 259 of the SLC7A13 protein (p.Ser259Pro). This variant is not present in population databases (gnomAD no frequency). This variant has not been reported in the literature in individuals affected with SLC7A13-related conditions. An algorithm developed to predict the effect of missense changes on protein structure and function (PolyPhen-2) suggests that this variant is likely to be disruptive. In summary, the available evidence is currently insufficient to determine the role of this variant in disease. Therefore, it has been classified as a Variant of Uncertain Significance.